The following is an entry in ClinVar:

ClinVar aggregate classification (germline): Likely pathogenic. Review status: criteria provided, multiple submitters, no conflicts (2 of 4 stars). 2 submissions from 2 submitters: Likely pathogenic (2). Last evaluated 2023-04-25.

Conditions:
Familial adenomatous polyposis 1 (FAP1). Also called: POLYPOSIS, ADENOMATOUS INTESTINAL; FAMILIAL ADENOMATOUS POLYPOSIS 1, ATTENUATED. Identifiers: MedGen C2713442, MONDO:0021056, OMIM 175100. Disease mechanism: loss of function.

Allele frequency attached by ClinVar (database versions not stated): TOPMed below 0.00001.

Submissions (2):

Myriad Genetics, Inc.
Classification: Likely pathogenic for Familial adenomatous polyposis 1. Last evaluated: 2023-04-25. Review status: criteria provided, single submitter. Criteria: Myriad Autosomal Dominant, Autosomal Recessive and X-Linked Classification Criteria (2023). Collection method: clinical testing. Allele origin: unknown.
Comment: This variant is considered likely pathogenic. This variant occurs within a consensus splice junction and is predicted to result in abnormal mRNA splicing of either an out-of-frame exon or an in-frame exon necessary for protein stability and/or normal function.

Labcorp Genetics (formerly Invitae), Labcorp
Classification: Likely pathogenic for Familial adenomatous polyposis 1. Last evaluated: 2022-11-11. Review status: criteria provided, single submitter. Criteria: Invitae Variant Classification Sherloc (09022015). Collection method: clinical testing. Allele origin: germline.
Comment: This sequence change affects a donor splice site in intron 4 of the APC gene. It is expected to disrupt RNA splicing. Variants that disrupt the donor or acceptor splice site typically lead to a loss of protein function (PMID: 16199547), and loss-of-function variants in APC are known to be pathogenic (PMID: 17963004, 20685668). This variant is not present in population databases (gnomAD no frequency). Disruption of this splice site has been observed in individual(s) with clinical features of familial adenomatous polyposis (PMID: 23159591). Algorithms developed to predict the effect of sequence changes on RNA splicing suggest that this variant may disrupt the consensus splice site. In summary, the currently available evidence indicates that the variant is pathogenic, but additional data are needed to prove that conclusively. Therefore, this variant has been classified as Likely Pathogenic.

Literature cited by the submitters: PubMed 16199547 (cited by Labcorp Genetics (formerly Invitae), Labcorp); PubMed 17963004 (cited by Labcorp Genetics (formerly Invitae), Labcorp); PubMed 20685668 (cited by Labcorp Genetics (formerly Invitae), Labcorp); PubMed 23159591 (cited by Labcorp Genetics (formerly Invitae), Labcorp).

NM_000038.6(APC):c.422+1G>A

Gene: APC (APC regulator of Wnt signaling pathway; plus strand). Cytogenetic location: 5q22.2.
Variant type: single nucleotide variant.
Coding change: c.422+1G>A on transcript NM_000038.6 (MANE Select); the canonical splice donor site of the intron after coding-DNA position 422, G replaced by A.
Molecular consequence: splice donor variant.
Genome position (GRCh38, 1-based): chr5:112,767,391, G>A. VCF-style: chr5-112767391-G-A. GRCh37 (hg19) VCF-style: chr5-112103088-G-A.
Other names: c.-614+1G>A (NM_001407470.1, NM_001407472.1, NM_001354906.2 and 1 more transcripts); c.422+1G>A (NM_001407447.1, NM_001354895.2, NM_001407456.1 and 16 more transcripts); c.452+1G>A (NM_001407446.1, NM_001354897.2, NM_001354902.2 and 1 more transcripts); c.245+1G>A (NM_001407453.1, NM_001354900.2, NM_001354901.2 and 1 more transcripts); c.347+1G>A (NM_001407451.1, NM_001354898.2, NM_001354904.2).
Identifiers: ClinVar variation 2203671 (VCV002203671.5), dbSNP rs1756480727, ClinGen allele CA360617473.